The following is an entry in ClinVar:

ClinVar aggregate classification (germline): Pathogenic. Review status: reviewed by expert panel (3 of 4 stars). 3 submissions from 3 submitters: Pathogenic (1). 2 of the submissions do not count toward it. Last evaluated 2017-12-15.

Conditions:
Hereditary cancer-predisposing syndrome. Also called: Tumor predisposition; Neoplastic Syndromes, Hereditary; Hereditary Cancer Syndrome; Hereditary neoplastic syndrome. Identifiers: Orphanet 140162, MedGen C0027672, MeSH D009386, MONDO:0015356.
Hereditary breast ovarian cancer syndrome. Also called: Hereditary breast and ovarian cancer syndrome (HBOC); Hereditary breast and ovarian cancer syndrome; Hereditary breast and ovarian cancer; Hereditary breast and/or ovarian cancer syndrome; Breast and ovarian cancer; BRCA1- and BRCA2-Associated Hereditary Breast and Ovarian Cancer. Identifiers: Orphanet 145, MedGen C0677776, MeSH D061325, MONDO:0003582. Disease mechanism: loss of function.
Breast-ovarian cancer, familial, susceptibility to, 1 (BROVCA1). Also called: OVARIAN CANCER, SUSCEPTIBILITY TO; BRCA1 Hereditary Breast and Ovarian Cancer. Identifiers: Orphanet 145, MedGen C2676676, MONDO:0011450, OMIM 604370. Disease mechanism: loss of function.

Submissions (3):

Evidence-based Network for the Interpretation of Germline Mutant Alleles (ENIGMA)
Classification: Pathogenic for Breast-ovarian cancer, familial, susceptibility to, 1. Last evaluated: 2017-12-15. Review status: reviewed by expert panel. Criteria: ENIGMA BRCA1/2 Classification Criteria (2017-06-29). Collection method: curation. Allele origin: germline. Study: ENIGMA.
Comment: Variant allele predicted to encode a truncated non-functional protein.

Color Diagnostics, LLC DBA Color Health
Classification: Pathogenic for Hereditary cancer-predisposing syndrome. Last evaluated: 2023-09-19. Review status: criteria provided, single submitter. Criteria: ACMG Guidelines, 2015. Collection method: clinical testing. Allele origin: germline. Not counted in ClinVar's aggregate classification.
Comment: This variant changes 4 nucleotides in exon 10 of the BRCA1 gene, c.1561_1564delGCAGinsTAAA, creating a premature translation stop signal at codon 521. This variant is expected to result in an absent or non-functional protein product. This variant has been reported in an individual affected with cancer of the fallopian tube with a family history of breast cancer (PMID: 12030901). This variant has not been identified in the general population by the Genome Aggregation Database (gnomAD). Loss of BRCA1 function is a known mechanism of disease. Based on the available evidence, this variant is classified as Pathogenic.

Labcorp Genetics (formerly Invitae), Labcorp
Classification: Pathogenic for Hereditary breast ovarian cancer syndrome. Last evaluated: 2023-09-17. Review status: criteria provided, single submitter. Criteria: Invitae Variant Classification Sherloc (09022015). Collection method: clinical testing. Allele origin: germline. Not counted in ClinVar's aggregate classification.
Comment: For these reasons, this variant has been classified as Pathogenic. Advanced modeling of protein sequence and biophysical properties (such as structural, functional, and spatial information, amino acid conservation, physicochemical variation, residue mobility, and thermodynamic stability) performed at Invitae indicates that this missense variant is not expected to disrupt BRCA1 protein function. ClinVar contains an entry for this variant (Variation ID: 54292). This premature translational stop signal has been observed in individual(s) with fallopian tube cancer and/or hereditary breast and ovarian cancer (PMID: 12030901, 28056804). This variant is not present in population databases (gnomAD no frequency). This sequence change creates a premature translational stop signal (p.Ala521*) in the BRCA1 gene. It is expected to result in an absent or disrupted protein product. Loss-of-function variants in BRCA1 are known to be pathogenic (PMID: 20104584).

Literature cited by the submitters: PubMed 12030901 (cited by Color Diagnostics, LLC DBA Color Health and Labcorp Genetics (formerly Invitae), Labcorp); PubMed 28056804 (cited by Labcorp Genetics (formerly Invitae), Labcorp); PubMed 20104584 (cited by Labcorp Genetics (formerly Invitae), Labcorp).

NM_007294.4(BRCA1):c.1561_1564delinsTAAA (p.Ala521_Asp522delinsTer)

Gene: BRCA1 (BRCA1 DNA repair associated; minus strand). Cytogenetic location: 17q21.31.
Variant type: Indel.
Coding change: c.1561_1564delinsTAAA on transcript NM_007294.4 (MANE Select); coding-DNA positions 1561 to 1564, GCAG replaced by TAAA.
Protein change: p.Ala521_Asp522delinsTer.
Molecular consequence: nonsense. On other transcripts: intron variant (137).
Genome position (GRCh38, 1-based): chr17:43,093,967-43,093,970, CTGC replaced by TTTA on the plus strand (GCAG replaced by TAAA on the coding strand, the reverse complement: BRCA1 is on the minus strand). VCF-style: chr17-43093967-CTGC-TTTA. GRCh37 (hg19) VCF-style: chr17-41245984-CTGC-TTTA.
Other names: c.1420_1423delinsTAAA, p.Ala474_Asp475delinsTer (NM_001407732.1, NM_001407733.1, NM_001407734.1 and 29 more transcripts); c.1417_1420delinsTAAA, p.Ala473_Asp474delinsTer (NM_001407740.1, NM_001407741.1, NM_001407742.1 and 20 more transcripts); c.1348_1351delinsTAAA, p.Ala450_Asp451delinsTer (NM_001407853.1, NM_001407894.1, NM_001407895.1 and 9 more transcripts); c.1561_1564delinsTAAA, p.Ala521_Asp522delinsTer (NM_001407854.1, NM_001407858.1, NM_001407859.1 and 30 more transcripts); c.1558_1561delinsTAAA, p.Ala520_Asp521delinsTer (NM_001407860.1, NM_001407861.1, NM_001407587.1 and 22 more transcripts); c.1360_1363delinsTAAA, p.Ala454_Asp455delinsTer (NM_001407862.1); c.1438_1441delinsTAAA, p.Ala480_Asp481delinsTer (NM_001407863.1, NM_001407919.1, NM_001407937.1 and 19 more transcripts); c.1357_1360delinsTAAA, p.Ala453_Asp454delinsTer (NM_001407874.1, NM_001407875.1); and 40 more; short protein forms A521*.
Identifiers: ClinVar variation 54292 (VCV000054292.8), dbSNP rs397508883, ClinGen allele CA001045.